The following is an entry in ClinVar:

NM_000059.4(BRCA2):c.7976+18C>A

Gene: BRCA2 (BRCA2 DNA repair associated; plus strand). Cytogenetic location: 13q13.1.
Variant type: single nucleotide variant.
Coding change: c.7976+18C>A on transcript NM_000059.4 (MANE Select); 18 bases into the intron after coding-DNA position 7976, C replaced by A.
Molecular consequence: intron variant.
Genome position (GRCh38, 1-based): chr13:32,362,711, C>A. VCF-style: chr13-32362711-C-A. GRCh37 (hg19) VCF-style: chr13-32936848-C-A.
Identifiers: ClinVar variation 507130 (VCV000507130.10), dbSNP rs1057521490, ClinGen allele CA609091814.

ClinVar aggregate classification (germline): Likely benign. Review status: criteria provided, multiple submitters, no conflicts (2 of 4 stars). 2 submissions from 2 submitters: Likely benign (2). Last evaluated 2025-06-03.

Conditions:
Hereditary breast ovarian cancer syndrome. Also called: Hereditary breast and ovarian cancer syndrome; Breast and ovarian cancer; BRCA1- and BRCA2-Associated Hereditary Breast and Ovarian Cancer; Hereditary breast and ovarian cancer syndrome (HBOC); Hereditary breast and/or ovarian cancer syndrome; Hereditary breast and ovarian cancer. Identifiers: Orphanet 145, MedGen C0677776, MeSH D061325, MONDO:0003582. Disease mechanism: loss of function.

Allele frequency attached by ClinVar (database versions not stated): gnomAD exomes below 0.00001.
gnomAD v4.1: 1 of 1,613,408 alleles (0.000062%); highest among the groups gnomAD compares: African/African-American, 0.0013%; no homozygotes.

Submissions (2):

Labcorp Genetics (formerly Invitae), Labcorp
Classification: Likely benign for Hereditary breast ovarian cancer syndrome. Last evaluated: 2025-06-03. Review status: criteria provided, single submitter. Criteria: Invitae Variant Classification Sherloc (09022015). Collection method: clinical testing. Allele origin: germline.

GeneDx
Classification: Likely benign. Last evaluated: 2017-01-30. Review status: criteria provided, single submitter. Criteria: GeneDx Variant Classification (06012015). Collection method: clinical testing. Allele origin: germline. Affected: yes.
Comment: This variant is considered likely benign or benign based on one or more of the following criteria: it is a conservative change, it occurs at a poorly conserved position in the protein, it is predicted to be benign by multiple in silico algorithms, and/or has population frequency not consistent with disease.